The following is an entry in ClinVar:

NM_001353345.2(SETD1B):c.2112del (p.Met705fs)

Gene: SETD1B (SET domain containing 1B, histone lysine methyltransferase; plus strand). Cytogenetic location: 12q24.31.
Variant type: Deletion.
Coding change: c.2112del on transcript NM_001353345.2 (MANE Select); coding-DNA position 2112, one base deleted (C; older notation c.2112delC).
Protein change: p.Met705fs; shifts the reading frame from methionine 705.
Molecular consequence: frameshift variant.
Genome position (GRCh38, 1-based): chr12:121,814,327, C deleted; the last of 4 consecutive C bases (chr12:121,814,324-121,814,327); deleting any one gives the same sequence. VCF-style (leftmost placement, unchanged base first): chr12-121814323-TC-T. GRCh37 (hg19) VCF-style: chr12-122252229-TC-T.
Other names: short protein forms M705fs.
Identifiers: ClinVar variation 4880588 (VCV004880588.2).

ClinVar aggregate classification (germline): Likely pathogenic (1 of 4 stars; one submission).

Submission:

Dasa
Classification: Likely pathogenic. Last evaluated: 2025-01-31. Review status: criteria provided, single submitter. Criteria: DASA Assertion Criteria. Collection method: clinical testing. Allele origin: germline.
Comment: NM_001353345.2(SETD1B):c.2112del (p.Met705Cysfs*19) is a frameshift variant in SETD1B predicted to alter the reading frame and introduce a premature termination codon and is predicted to result in an absent or altered protein product. Loss of function is an established disease mechanism for SETD1B (PMID: 34345025; PMID: 32546566; PMID: 31110234). Also, this variant is rare in population databases. Based on the currently available evidence, this variant is classified as likely pathogenic.

Literature cited by the submitters: PubMed 34345025; PubMed 32546566; PubMed 31110234.